The following is an entry in ClinVar:

NM_130384.3(ATRIP):c.2309-1G>A

Genes: ATRIP (ATR interacting protein; plus strand), ATRIP-TREX1 (ATRIP-TREX1 readthrough; plus strand), LOC129936704 (ATAC-STARR-seq lymphoblastoid active region 19829; plus strand). Cytogenetic location: 3p21.31.
Variant type: single nucleotide variant.
Coding change: c.2309-1G>A on transcript NM_130384.3 (MANE Select); the canonical splice acceptor site of the intron before coding-DNA position 2309, G replaced by A.
Molecular consequence: splice acceptor variant.
Genome position (GRCh38, 1-based): chr3:48,465,486, G>A. VCF-style: chr3-48465486-G-A. GRCh37 (hg19) VCF-style: chr3-48506885-G-A.
Other names: c.2228-1G>A (NM_032166.4); c.1928-1G>A (NM_001271022.2); c.2030-1G>A (NM_001271023.2).
Identifiers: ClinVar variation 3464016 (VCV003464016.1).

ClinVar aggregate classification (germline): Uncertain significance (1 of 4 stars; one submission).

gnomAD v4.1: 4 of 1,613,800 alleles (0.00025%); highest among the groups gnomAD compares: Admixed American, 0.0067%; no homozygotes.

Submission:

Ambry Genetics
Classification: Uncertain significance. Last evaluated: 2024-12-04. Review status: criteria provided, single submitter. Criteria: Ambry Variant Classification Scheme 2023. Collection method: clinical testing. Allele origin: germline.
Comment: The c.2309-1G>A intronic variant results from a G to A substitution one nucleotide upstream from coding exon 13 of the ATRIP gene. This nucleotide position is highly conserved in available vertebrate species. In silico splice site analysis predicts that this alteration will weaken the native splice acceptor site and will result in the creation or strengthening of a novel splice acceptor site. Alterations that disrupt the canonical splice site are expected to cause aberrant splicing, resulting in an abnormal protein or a transcript that is subject to nonsense-mediated mRNA decay. The evidence for this gene-disease relationship is limited; therefore, the clinical significance of this alteration is unclear.